The following is an entry in ClinVar:

NM_001040177.3(AKR1E2):c.154T>G (p.Cys52Gly)

Gene: AKR1E2 (aldo-keto reductase family 1 member E2; plus strand). Cytogenetic location: 10p15.1.
Variant type: single nucleotide variant.
Coding change: c.154T>G on transcript NM_001040177.3 (MANE Select); coding-DNA position 154, T replaced by G.
Protein change: p.Cys52Gly; replaces cysteine 52 with glycine.
Molecular consequence: missense variant. On other transcripts: non-coding transcript variant (3).
Genome position (GRCh38, 1-based): chr10:4,830,789, T>G. VCF-style: chr10-4830789-T-G. GRCh37 (hg19) VCF-style: chr10-4872981-T-G.
Other names: c.154T>G, p.Cys52Gly (NM_001271021.2, NM_001271025.2); short protein forms C52G.
Identifiers: ClinVar variation 1693334 (VCV001693334.5), dbSNP rs35429729, ClinGen allele CA5388965.

ClinVar aggregate classification (germline): Likely benign (1 of 4 stars; one submission).

Allele frequency attached by ClinVar (database versions not stated): gnomAD exomes 0.00046 and 0.00120; ExAC 0.00158; gnomAD 0.00509 and 0.00553; 1000 Genomes Project 0.00519; ESP Exome Variant Server 0.00561; 1000 Genomes Project 30x 0.00578; TOPMed 0.00592.
gnomAD v4.1: 1,458 of 1,614,140 alleles (0.09%); highest among the groups gnomAD compares: African/African-American, 1.8%; 13 homozygotes.

Submission:

GeneDx
Classification: Likely benign. Last evaluated: 2023-08-09. Review status: criteria provided, single submitter. Criteria: GeneDx Variant Classification Process June 2021. Collection method: clinical testing. Allele origin: germline. Affected: yes.
Comment: See Variant Classification Assertion Criteria.